The following is an entry in ClinVar:

NM_198994.3(TGM6):c.1510C>A (p.Pro504Thr)

Gene: TGM6 (transglutaminase 6; plus strand). Cytogenetic location: 20p13.
Variant type: single nucleotide variant.
Coding change: c.1510C>A on transcript NM_198994.3 (MANE Select); coding-DNA position 1510, C replaced by A.
Protein change: p.Pro504Thr; replaces proline 504 with threonine.
Molecular consequence: missense variant.
Genome position (GRCh38, 1-based): chr20:2,417,405, C>A. VCF-style: chr20-2417405-C-A. GRCh37 (hg19) VCF-style: chr20-2398051-C-A.
Other names: c.1510C>A, p.Pro504Thr (NM_001254734.2); short protein forms P504T.
Identifiers: ClinVar variation 3342068 (VCV003342068.16).
Genomic context (GRCh38, chr20:2,417,405, plus strand): 5'-GACGACCTCCTGGAGCCTGCCACCAAGCCCAGCATCGCTGGCAAGTTCAAGGTGCTAGAG[C>A]CTCCCATGCTGGGCCACGACCTGAGACTGGCCCTGTGCTTGGCCAACCTCACCTCCCGGG-3'
Protein context (NP_945345.2, residues 494-514): SIAGKFKVLE[Pro504Thr]PMLGHDLRLA

ClinVar aggregate classification (germline): Uncertain significance (1 of 4 stars; one submission).

Submission:

CeGaT Center for Human Genetics Tuebingen
Classification: Uncertain significance. Last evaluated: 2024-08-01. Review status: criteria provided, single submitter. Criteria: CeGaT Center For Human Genetics Tuebingen Variant Classification Criteria Version 2. Collection method: clinical testing. Allele origin: germline. Affected: yes. Observed: 1 variant allele.
Comment: TGM6: PM2, BP4